The following is an entry in ClinVar:

NM_013391.3(DMGDH):c.101+10G>T

Gene: DMGDH (dimethylglycine dehydrogenase; minus strand). Cytogenetic location: 5q14.1.
Variant type: single nucleotide variant.
Coding change: c.101+10G>T on transcript NM_013391.3 (MANE Select); 10 bases into the intron after coding-DNA position 101, G replaced by T.
Molecular consequence: intron variant.
Genome position (GRCh38, 1-based): chr5:79,069,510, C>A on the plus strand (G>T on the coding strand, the complement: DMGDH is on the minus strand). VCF-style: chr5-79069510-C-A. GRCh37 (hg19) VCF-style: chr5-78365333-C-A.
Identifiers: ClinVar variation 3058304 (VCV003058304.2), dbSNP rs899976135, ClinGen allele CA121126536.

ClinVar aggregate classification (germline): Likely benign (0 of 4 stars; one submission).

Conditions:
DMGDH-related disorder. Also called: DMGDH-related condition.

Allele frequency attached by ClinVar (database versions not stated): gnomAD exomes below 0.00001.
gnomAD v4.1: 5 of 1,280,258 alleles (0.00039%); highest among the groups gnomAD compares: East Asian, 0.0031%; no homozygotes.

Submission:

PreventionGenetics, part of Exact Sciences
Classification: Likely benign for DMGDH-related condition. Last evaluated: 2019-02-27. Review status: no assertion criteria provided. Collection method: clinical testing. Allele origin: germline.
Comment: This variant is classified as likely benign based on ACMG/AMP sequence variant interpretation guidelines (Richards et al. 2015 PMID: 25741868, with internal and published modifications).